The following is an entry in ClinVar:

ClinVar aggregate classification (germline): Uncertain significance (1 of 4 stars; one submission).

Conditions:
Cardiovascular phenotype. Identifiers: MedGen CN230736.

Submission:

Ambry Genetics
Classification: Uncertain significance for Cardiovascular phenotype. Last evaluated: 2020-10-20. Review status: criteria provided, single submitter. Criteria: Ambry Variant Classification Scheme 2023. Collection method: clinical testing. Allele origin: germline.
Comment: The c.2560-5delT intronic variant, located in intron 36 of the COL1A1 gene, results from a deletion of one nucleotide within intron 36 of the COL1A1 gene. This nucleotide position is well conserved in available vertebrate species. In silico splice site analysis predicts that this alteration will not have any significant effect on splicing. Since supporting evidence is limited at this time, the clinical significance of this alteration remains unclear.

NM_000088.4(COL1A1):c.2560-5del

Gene: COL1A1 (collagen type I alpha 1 chain; minus strand). Cytogenetic location: 17q21.33.
Variant type: Deletion.
Coding change: c.2560-5del on transcript NM_000088.4 (MANE Select); 5 bases into the intron before coding-DNA position 2560, one base deleted (T; older notation c.2560-5delT).
Molecular consequence: intron variant.
Genome position (GRCh38, 1-based): chr17:50,189,917, A deleted on the plus strand (T on the coding strand, the reverse complement: COL1A1 is on the minus strand). VCF-style (leftmost placement, unchanged base first): chr17-50189916-TA-T. GRCh37 (hg19) VCF-style: chr17-48267277-TA-T.
Identifiers: ClinVar variation 1793106 (VCV001793106.2), dbSNP rs2509187439, ClinGen allele CA2580094243.
Genomic context (GRCh38, chr17:50,189,916, plus strand): 5'-CACAGGGGGACCAGCGCTGCCGCGAGCACCTTTGGCTCCAGGAGCACCAACATTACCCTG[TA>T]GGAGAGCACAGAGGCATCAAGCCTGGACCCGTCCTGGGTCCCAGCCCACCAGCCTCGTGG-3'